The following is an entry in ClinVar:

NM_001458.5(FLNC):c.5612A>G (p.His1871Arg)

Genes: FLNC (filamin C; plus strand), FLNC-AS1 (FLNC antisense RNA 1; minus strand). Cytogenetic location: 7q32.1.
Variant type: single nucleotide variant.
Coding change: c.5612A>G on transcript NM_001458.5 (MANE Select); coding-DNA position 5612, A replaced by G.
Protein change: p.His1871Arg; replaces histidine 1871 with arginine.
Molecular consequence: missense variant.
Genome position (GRCh38, 1-based): chr7:128,851,304, A>G. VCF-style: chr7-128851304-A-G. GRCh37 (hg19) VCF-style: chr7-128491358-A-G.
Other names: c.5513A>G, p.His1838Arg (NM_001127487.2); short protein forms H1838R, H1871R.
Identifiers: ClinVar variation 4281733 (VCV004281733.1).

ClinVar aggregate classification (germline): Uncertain significance (1 of 4 stars; one submission).

gnomAD v4.1: 5 of 1,614,102 alleles (0.00031%); highest among the groups gnomAD compares: South Asian, 0.0011%; no homozygotes.

Submission:

GeneDx
Classification: Uncertain significance. Last evaluated: 2025-04-06. Review status: criteria provided, single submitter. Criteria: GeneDx Variant Classification Process June 2021. Collection method: clinical testing. Allele origin: germline. Affected: yes.
Comment: Not observed at significant frequency in large population cohorts (gnomAD); In silico analysis supports that this missense variant has a deleterious effect on protein structure/function; Has not been previously published as pathogenic or benign to our knowledge